The following is an entry in ClinVar:

ClinVar aggregate classification (germline): Likely pathogenic. Review status: criteria provided, multiple submitters, no conflicts (2 of 4 stars). 3 submissions from 3 submitters: Likely pathogenic (2). 1 of the submissions does not count toward it. Last evaluated 2024-05-17.

Conditions:
RBM20-related disorder. Also called: RBM20-related condition.
Cardiovascular phenotype. Identifiers: MedGen CN230736.
Primary dilated cardiomyopathy (DCM). Also called: Dilated Cardiomyopathy. Identifiers: Orphanet 217604, MedGen C0007193, MeSH D002311, MONDO:0005021, HP:0001644. Inheritance: Various modes of inheritance.

Submissions (3):

Blueprint Genetics
Classification: Likely pathogenic for RBM20-related disorders. Last evaluated: 2024-05-17. Review status: criteria provided, single submitter. Criteria: ACMG Guidelines, 2015. Collection method: clinical testing. Allele origin: germline. Affected: yes. Observed: 4 variant alleles.

Ambry Genetics
Classification: Likely pathogenic for Cardiovascular phenotype. Last evaluated: 2018-02-27. Review status: criteria provided, single submitter. Criteria: Ambry Variant Classification Scheme 2023. Collection method: clinical testing. Allele origin: germline.
Comment: The p.R634L variant (also known as c.1901G>T), located in coding exon 9 of the RBM20 gene, results from a G to T substitution at nucleotide position 1901. The arginine at codon 634 is replaced by leucine, an amino acid with dissimilar properties. This alteration has been detected in two related individuals reported to have left ventricular non-compaction (Sedaghat-Hamedani F et al. Eur. Heart J., 2017 Dec;38:3449-3460). In addition, other alterations at this amino acid (p.R634W and p.R634Q) have been reported in individuals with dilated cardiomyopathy (Li D et al. Clin. Trans. Sci. 2010 Jun;3(3):90-7; Brauch KM et al. J. Am. Coll. Cardiol. 2009 Sep;54(10):930-41). This amino acid position is highly conserved in available vertebrate species and is located in the conserved RS domain which may be involved in protein-protein interactions that are required for proper function in regulation of mRNA splicing. In addition, this alteration is predicted to be deleterious by in silico analysis. Based on the majority of evidence to date, this variant is likely to be pathogenic.

Institute of Human Genetics, University of Wuerzburg
Classification: Pathogenic for Primary dilated cardiomyopathy. Review status: no assertion criteria provided. Collection method: clinical testing. Allele origin: unknown. Not counted in ClinVar's aggregate classification.

Literature cited by the submitters: PubMed 19712804 (cited by Ambry Genetics); PubMed 20590677 (cited by Ambry Genetics); PubMed 29029073 (cited by Ambry Genetics).

NM_001134363.3(RBM20):c.1901G>T (p.Arg634Leu)

Gene: RBM20 (RNA binding motif protein 20; plus strand). Cytogenetic location: 10q25.2.
Variant type: single nucleotide variant.
Coding change: c.1901G>T on transcript NM_001134363.3 (MANE Select); coding-DNA position 1901, G replaced by T.
Protein change: p.Arg634Leu; replaces arginine 634 with leucine.
Molecular consequence: missense variant.
Genome position (GRCh38, 1-based): chr10:110,812,298, G>T. VCF-style: chr10-110812298-G-T. GRCh37 (hg19) VCF-style: chr10-112572056-G-T.
Other names: short protein forms R634L.
Identifiers: ClinVar variation 689585 (VCV000689585.4), dbSNP rs267607001, ClinGen allele CA378370292.